The following is an entry in ClinVar:

NM_002133.3(HMOX1):c.741T>C (p.Ser247=)

Gene: HMOX1 (heme oxygenase 1; plus strand). Cytogenetic location: 22q12.3.
Variant type: single nucleotide variant.
Coding change: c.741T>C on transcript NM_002133.3 (MANE Select); coding-DNA position 741, T replaced by C.
Protein change: p.Ser247=; no amino-acid change (serine 247 retained).
Molecular consequence: synonymous variant.
Genome position (GRCh38, 1-based): chr22:35,393,472, T>C. VCF-style: chr22-35393472-T-C. GRCh37 (hg19) VCF-style: chr22-35789465-T-C.
Other names: c.741T>C (NM_002133.2).
Identifiers: ClinVar variation 1574282 (VCV001574282.10), dbSNP rs138018904, ClinGen allele CA10204830.

ClinVar aggregate classification (germline): Likely benign. Review status: criteria provided, single submitter (1 of 4 stars). 2 submissions from 2 submitters: Likely benign (1). 1 of the submissions does not count toward it. Last evaluated 2025-12-29.

Conditions:
HMOX1-related disorder. Also called: HMOX1-related condition.

Allele frequency attached by ClinVar (database versions not stated): gnomAD exomes 0.00012; 1000 Genomes Project 30x 0.00016; 1000 Genomes Project 0.00020; ExAC 0.00021; TOPMed 0.00055; gnomAD 0.00058 and 0.00063; ESP Exome Variant Server 0.00062.
gnomAD v4.1: 136 of 1,614,202 alleles (0.0084%); highest among the groups gnomAD compares: African/African-American, 0.17%; no homozygotes.

Submissions (2):

Labcorp Genetics (formerly Invitae), Labcorp
Classification: Likely benign. Last evaluated: 2025-12-29. Review status: criteria provided, single submitter. Criteria: Invitae Variant Classification Sherloc (09022015). Collection method: clinical testing. Allele origin: germline.

PreventionGenetics, part of Exact Sciences
Classification: Likely benign for HMOX1-related condition. Last evaluated: 2019-11-14. Review status: no assertion criteria provided. Collection method: clinical testing. Allele origin: germline. Not counted in ClinVar's aggregate classification.
Comment: This variant is classified as likely benign based on ACMG/AMP sequence variant interpretation guidelines (Richards et al. 2015 PMID: 25741868, with internal and published modifications).